The following is an entry in ClinVar:

NM_018129.4(PNPO):c.*1048C>T

Gene: PNPO (pyridoxamine 5'-phosphate oxidase; plus strand). Cytogenetic location: 17q21.32.
Variant type: single nucleotide variant.
Coding change: c.*1048C>T on transcript NM_018129.4 (MANE Select); 1048 bases downstream of the stop codon, C replaced by T.
Molecular consequence: 3 prime UTR variant.
Genome position (GRCh38, 1-based): chr17:47,947,830, C>T. VCF-style: chr17-47947830-C-T. GRCh37 (hg19) VCF-style: chr17-46025196-C-T.
Identifiers: ClinVar variation 323930 (VCV000323930.5), dbSNP rs114087393, ClinGen allele CA10650435.

ClinVar aggregate classification (germline): Benign (1 of 4 stars; one submission).

Conditions:
Pyridoxal phosphate-responsive seizures (PNPOD). Also called: Pyridoxal 5'-Phosphate (PLP)-Dependent Epilepsy; EPILEPTIC ENCEPHALOPATHY, NEONATAL, PNPO-RELATED; Pyridoxamine 5-Prime-Phosphate Oxidase Deficiency; Pyridoxine-5'-phosphate oxidase deficiency; SEIZURES, PYRIDOXINE-RESISTANT, PLP-SENSITIVE. Identifiers: Orphanet 79096, MedGen C1864723, MONDO:0012407, OMIM 610090. Disease mechanism: loss of function.

Allele frequency attached by ClinVar (database versions not stated): gnomAD 0.01008 and 0.01088; 1000 Genomes Project 30x 0.01109; 1000 Genomes Project 0.01158; TOPMed 0.01174.

Submission:

Illumina Laboratory Services, Illumina
Classification: Benign for Pyridoxal phosphate-responsive seizures. Last evaluated: 2018-01-12. Review status: criteria provided, single submitter. Criteria: ICSL Variant Classification Criteria 13 December 2019. Collection method: clinical testing. Allele origin: germline.
Comment: This variant was observed in the ICSL laboratory as part of a predisposition screen in an ostensibly healthy population. It had not been previously curated by ICSL or reported in the Human Gene Mutation Database (HGMD: prior to June 1st, 2018), and was therefore a candidate for classification through an automated scoring system. Utilizing variant allele frequency, disease prevalence and penetrance estimates, and inheritance mode, an automated score was calculated to assess if this variant is too frequent to cause the disease. Based on the score and internal cut-off values, a variant classified as benign is not then subjected to further curation. The score for this variant resulted in a classification of benign for this disease.